The following is an entry in ClinVar:

ClinVar aggregate classification (germline): Pathogenic (1 of 4 stars; one submission).

Conditions:
Early-infantile DEE. Also called: Early infantile epileptic encephalopathy; Early infantile epileptic encephalopathy with suppression bursts; Ohtahara syndrome. Identifiers: Orphanet 1934, MedGen C0393706, MONDO:0800491.

Submission:

Labcorp Genetics (formerly Invitae), Labcorp
Classification: Pathogenic for Early-infantile DEE. Last evaluated: 2017-11-28. Review status: criteria provided, single submitter. Criteria: Invitae Variant Classification Sherloc (09022015). Collection method: clinical testing. Allele origin: germline.
Comment: This variant has not been reported in the literature in individuals with SCN1A-related disease. This variant is not present in population databases (ExAC no frequency). This sequence change creates a premature translational stop signal (p.Asn1392Alafs*2) in the SCN1A gene. It is expected to result in an absent or disrupted protein product. For these reasons, this variant has been classified as Pathogenic. Loss-of-function variants in SCN1A are known to be pathogenic (PMID: 17347258, 18930999).

Literature cited by the submitters: PubMed 17347258; PubMed 18930999.

NM_001165963.4(SCN1A):c.4174_4186del (p.Asn1392fs)

Genes: SCN1A (sodium voltage-gated channel alpha subunit 1; minus strand), LOC102724058 (uncharacterized LOC102724058; plus strand). Cytogenetic location: 2q24.3.
Variant type: Deletion.
Coding change: c.4174_4186del on transcript NM_001165963.4 (MANE Select); coding-DNA positions 4174 to 4186, 13 bases deleted (AATCATACTGATT).
Protein change: p.Asn1392fs; shifts the reading frame from asparagine 1392.
Molecular consequence: frameshift variant. On other transcripts: non-coding transcript variant (1).
Genome position (GRCh38, 1-based): chr2:166,002,570-166,002,582, AATCAGTATGATT deleted on the plus strand (AATCATACTGATT on the coding strand, the reverse complement: SCN1A is on the minus strand); deleting any 13 consecutive bases within chr2:166,002,570-166,002,583 gives the same sequence; the c. name uses the placement nearest the transcript's 3' end. VCF-style (leftmost placement, unchanged base first): chr2-166002569-CAATCAGTATGATT-C. GRCh37 (hg19) VCF-style: chr2-166859079-CAATCAGTATGATT-C.
Other names: c.4090_4102del, p.Asn1364fs (NM_001165964.3, NM_001353957.2, NM_001353958.2); c.4174_4186del, p.Asn1392fs (NM_001202435.3, NM_001353948.2); c.4141_4153del, p.Asn1381fs (NM_001353949.2, NM_001353950.2, NM_001353951.2 and 2 more transcripts); c.4138_4150del, p.Asn1380fs (NM_001353954.2, NM_001353955.2); c.4087_4099del, p.Asn1363fs (NM_001353960.2); c.1732_1744del, p.Asn578fs (NM_001353961.2); short protein forms N1392fs, N1364fs, N1363fs, N1380fs, N1381fs, N578fs.
Identifiers: ClinVar variation 530449 (VCV000530449.7), dbSNP rs1553525036, ClinGen allele CA658795934.